The following is an entry in ClinVar:

ClinVar aggregate classification (germline): Uncertain significance (1 of 4 stars; one submission).

Submission:

Labcorp Genetics (formerly Invitae), Labcorp
Classification: Uncertain significance. Last evaluated: 2022-07-02. Review status: criteria provided, single submitter. Criteria: Invitae Variant Classification Sherloc (09022015). Collection method: clinical testing. Allele origin: germline.
Comment: This variant has not been reported in the literature in individuals affected with MYO7A-related conditions. This variant is not present in population databases (gnomAD no frequency). This sequence change replaces alanine, which is neutral and non-polar, with glycine, which is neutral and non-polar, at codon 1770 of the MYO7A protein (p.Ala1770Gly). Advanced modeling of protein sequence and biophysical properties (such as structural, functional, and spatial information, amino acid conservation, physicochemical variation, residue mobility, and thermodynamic stability) performed at Invitae indicates that this missense variant is expected to disrupt MYO7A protein function. In summary, the available evidence is currently insufficient to determine the role of this variant in disease. Therefore, it has been classified as a Variant of Uncertain Significance.

NM_000260.4(MYO7A):c.5309C>G (p.Ala1770Gly)

Gene: MYO7A (myosin VIIA; plus strand). Cytogenetic location: 11q13.5.
Variant type: single nucleotide variant.
Coding change: c.5309C>G on transcript NM_000260.4 (MANE Select); coding-DNA position 5309, C replaced by G.
Protein change: p.Ala1770Gly; replaces alanine 1770 with glycine.
Molecular consequence: missense variant.
Genome position (GRCh38, 1-based): chr11:77,203,200, C>G. VCF-style: chr11-77203200-C-G. GRCh37 (hg19) VCF-style: chr11-76914245-C-G.
Other names: c.5195C>G, p.Ala1732Gly (NM_001127180.2); c.5162C>G, p.Ala1721Gly (NM_001369365.1); short protein forms A1770G, A1732G, A1721G.
Identifiers: ClinVar variation 2191761 (VCV002191761.4), dbSNP rs2497666037, ClinGen allele CA381952444.